The following is an entry in ClinVar:

ClinVar aggregate classification (germline): Uncertain significance. Review status: criteria provided, multiple submitters, no conflicts (2 of 4 stars). 2 submissions from 2 submitters: Uncertain significance (2). Last evaluated 2025-06-09.

Conditions:
Developmental and epileptic encephalopathy, 42 (DEE42A). Also called: EPILEPTIC ENCEPHALOPATHY, EARLY INFANTILE, 42A; Epileptic encephalopathy, early infantile, 42; DEVELOPMENTAL AND EPILEPTIC ENCEPHALOPATHY 42A. Identifiers: MedGen C4310716, MONDO:0014917, OMIM 617106.
Episodic ataxia type 2 (EA2). Also called: ATAXIA, EPISODIC, WITH NYSTAGMUS; ATAXIA, FAMILIAL PAROXYSMAL; CEREBELLAR ATAXIA, PAROXYSMAL, ACETAZOLAMIDE-RESPONSIVE; CEREBELLOPATHY, HEREDITARY PAROXYSMAL; EPISODIC ATAXIA, NYSTAGMUS-ASSOCIATED; ACETAZOLAMIDE-RESPONSIVE HEREDITARY PAROXYSMAL CEREBELLAR ATAXIA. Identifiers: Orphanet 97, MedGen C1720416, MONDO:0007163, OMIM 108500.

Submissions (2):

Labcorp Genetics (formerly Invitae), Labcorp
Classification: Uncertain significance for Developmental and epileptic encephalopathy, 42; Episodic ataxia type 2. Last evaluated: 2025-06-09. Review status: criteria provided, single submitter. Criteria: Invitae Variant Classification Sherloc (09022015). Collection method: clinical testing. Allele origin: germline.
Comment: This sequence change replaces glycine, which is neutral and non-polar, with cysteine, which is neutral and slightly polar, at codon 1214 of the CACNA1A protein (p.Gly1214Cys). This variant is present in population databases (rs767000559, gnomAD 0.0009%). This variant has not been reported in the literature in individuals affected with CACNA1A-related conditions. ClinVar contains an entry for this variant (Variation ID: 1962134). Invitae Evidence Modeling of protein sequence and biophysical properties (such as structural, functional, and spatial information, amino acid conservation, physicochemical variation, residue mobility, and thermodynamic stability) indicates that this missense variant is not expected to disrupt CACNA1A protein function with a negative predictive value of 95%. In summary, the available evidence is currently insufficient to determine the role of this variant in disease. Therefore, it has been classified as a Variant of Uncertain Significance.

CeGaT Center for Human Genetics Tuebingen
Classification: Uncertain significance. Last evaluated: 2023-06-01. Review status: criteria provided, single submitter. Criteria: CeGaT Center For Human Genetics Tuebingen Variant Classification Criteria Version 2. Collection method: clinical testing. Allele origin: germline. Affected: yes. Observed: 1 variant allele.

NM_001127222.2(CACNA1A):c.3637G>T (p.Gly1213Cys)

Gene: CACNA1A (calcium voltage-gated channel subunit alpha1 A; minus strand). Cytogenetic location: 19p13.13.
Variant type: single nucleotide variant.
Coding change: c.3637G>T on transcript NM_001127222.2 (MANE Select); coding-DNA position 3637, G replaced by T.
Protein change: p.Gly1213Cys; replaces glycine 1213 with cysteine.
Molecular consequence: missense variant.
Genome position (GRCh38, 1-based): chr19:13,285,123, C>A on the plus strand (G>T on the coding strand, the complement: CACNA1A is on the minus strand). VCF-style: chr19-13285123-C-A. GRCh37 (hg19) VCF-style: chr19-13395937-C-A.
Other names: c.3649G>T, p.Gly1217Cys (NM_000068.4, NM_023035.3); c.3640G>T, p.Gly1214Cys (NM_001127221.2, NM_001174080.2); short protein forms G1214C, G1217C, G1213C.
Identifiers: ClinVar variation 1962134 (VCV001962134.32), dbSNP rs767000559, ClinGen allele CA9240248.